The following is an entry in ClinVar:

NM_198576.4(AGRN):c.4799C>T (p.Ala1600Val)

Gene: AGRN (agrin; plus strand). Cytogenetic location: 1p36.33.
Variant type: single nucleotide variant.
Coding change: c.4799C>T on transcript NM_198576.4 (MANE Select); coding-DNA position 4799, C replaced by T.
Protein change: p.Ala1600Val; replaces alanine 1600 with valine.
Molecular consequence: missense variant.
Genome position (GRCh38, 1-based): chr1:1,049,957, C>T. VCF-style: chr1-1049957-C-T. GRCh37 (hg19) VCF-style: chr1-985337-C-T.
Other names: c.4799C>T, p.Ala1600Val (NM_001305275.2); c.4484C>T, p.Ala1495Val (NM_001364727.2); short protein forms A1600V, A1495V.
Identifiers: ClinVar variation 541177 (VCV000541177.10), dbSNP rs370833536, ClinGen allele CA509645.

ClinVar aggregate classification (germline): Uncertain significance. Review status: criteria provided, multiple submitters, no conflicts (2 of 4 stars). 2 submissions from 2 submitters: Uncertain significance (2). Last evaluated 2025-06-09.

Conditions:
Congenital myasthenic syndrome 8. Also called: MYASTHENIC SYNDROME, CONGENITAL, DUE TO AGRIN DEFICIENCY; Myasthenic syndrome, congenital, 8, with pre- and postsynaptic defects. Identifiers: Orphanet 590, MedGen C3808739, MONDO:0014052, OMIM 615120.

Allele frequency attached by ClinVar (database versions not stated): gnomAD 0.00001 and 0.00002; gnomAD exomes 0.00003 and 0.00005; TOPMed 0.00003; ExAC 0.00004; 1000 Genomes Project 30x 0.00031; 1000 Genomes Project 0.00040.
gnomAD v4.1: 54 of 1,607,520 alleles (0.0034%); highest among the groups gnomAD compares: South Asian, 0.011%; no homozygotes.

Submissions (2):

GeneDx
Classification: Uncertain significance. Last evaluated: 2025-06-09. Review status: criteria provided, single submitter. Criteria: GeneDx Variant Classification Process June 2021. Collection method: clinical testing. Allele origin: germline. Affected: yes.
Comment: Reported as a single heterozygous variant in a proband with early onset high myopia who also harbored several other variants in genes potentially related to the phenotype (PMID: 37958660); Not observed at significant frequency in large population cohorts (gnomAD); In silico analysis suggests that this missense variant does not alter protein structure/function; This variant is associated with the following publications: (PMID: 37958660)

Labcorp Genetics (formerly Invitae), Labcorp
Classification: Uncertain significance for Congenital myasthenic syndrome 8. Last evaluated: 2024-10-18. Review status: criteria provided, single submitter. Criteria: Invitae Variant Classification Sherloc (09022015). Collection method: clinical testing. Allele origin: germline.
Comment: This sequence change replaces alanine, which is neutral and non-polar, with valine, which is neutral and non-polar, at codon 1600 of the AGRN protein (p.Ala1600Val). This variant is present in population databases (rs370833536, gnomAD 0.01%). This variant has not been reported in the literature in individuals affected with AGRN-related conditions. ClinVar contains an entry for this variant (Variation ID: 541177). An algorithm developed to predict the effect of missense changes on protein structure and function (PolyPhen-2) suggests that this variant¬†is likely to be tolerated. In summary, the available evidence is currently insufficient to determine the role of this variant in disease. Therefore, it has been classified as a Variant of Uncertain Significance.